The following is an entry in ClinVar:

NM_001018116.2(CAVIN4):c.469C>T (p.Gln157Ter)

Gene: CAVIN4 (caveolae associated protein 4; plus strand). Cytogenetic location: 9q31.1.
Variant type: single nucleotide variant.
Coding change: c.469C>T on transcript NM_001018116.2 (MANE Select); coding-DNA position 469, C replaced by T.
Protein change: p.Gln157Ter; replaces glutamine 157 with a stop codon.
Molecular consequence: nonsense.
Genome position (GRCh38, 1-based): chr9:100,585,825, C>T. VCF-style: chr9-100585825-C-T. GRCh37 (hg19) VCF-style: chr9-103348107-C-T.
Other names: short protein forms Q157*.
Identifiers: ClinVar variation 1253803 (VCV001253803.2), dbSNP rs767889299, ClinGen allele CA5160089.

ClinVar aggregate classification (germline): Uncertain significance (1 of 4 stars; one submission).

Allele frequency attached by ClinVar (database versions not stated): gnomAD 0.00007 and 0.00008.

Submission:

GeneDx
Classification: Uncertain significance. Last evaluated: 2021-07-07. Review status: criteria provided, single submitter. Criteria: GeneDx Variant Classification Process June 2021. Collection method: clinical testing. Allele origin: germline. Affected: yes.
Comment: Has not been previously published as pathogenic or benign to our knowledge; Nonsense variant predicted to result in protein truncation as the last 208 amino acids are lost, although loss-of-function variants have not been reported downstream of this position in the protein; This variant is associated with the following publications: (PMID: 27535533)